The following is an entry in ClinVar:

ClinVar aggregate classification (germline): Conflicting classifications of pathogenicity. Review status: criteria provided, conflicting classifications (1 of 4 stars). 10 submissions from 10 submitters: Uncertain significance (1); Benign (4); Likely benign (4). 1 of the submissions does not count toward it. Last evaluated 2026-01-26.

Conditions:
SACS-related disorder. Also called: SACS-related condition.
Spastic paraplegia. Identifiers: MedGen C0037772, HP:0001258.
Hereditary spastic paraplegia. Also called: Familial spastic paraparesis. Identifiers: Orphanet 685, MedGen C0037773, MONDO:0019064. Disease mechanism: loss of function.
Charlevoix-Saguenay spastic ataxia (SACS). Also called: AUTOSOMAL RECESSIVE SPASTIC ATAXIA OF CHARLEVOIX-SAGUENAY; Spastic ataxia of Charlevoix-Saguenay; SPASTIC ATAXIA 6, AUTOSOMAL RECESSIVE. Identifiers: Orphanet 98, MedGen C1849140, MONDO:0010041, OMIM 270550.

Allele frequency attached by ClinVar (database versions not stated): gnomAD exomes 0.00036 and 0.00099; ExAC 0.00117; 1000 Genomes Project 0.00419; 1000 Genomes Project 30x 0.00422; gnomAD 0.00422 and 0.00451; ESP Exome Variant Server 0.00454; TOPMed 0.00478.
gnomAD v4.1: 1,190 of 1,614,058 alleles (0.074%); highest among the groups gnomAD compares: African/African-American, 1.5%; 6 homozygotes.

Submissions (10):

Labcorp Genetics (formerly Invitae), Labcorp
Classification: Benign for Spastic paraplegia. Last evaluated: 2026-01-26. Review status: criteria provided, single submitter. Criteria: Invitae Variant Classification Sherloc (09022015). Collection method: clinical testing. Allele origin: germline.

PreventionGenetics, part of Exact Sciences
Classification: Benign for SACS-related condition. Last evaluated: 2025-12-19. Review status: criteria provided, single submitter. Criteria: ACMG Guidelines, 2015. Collection method: clinical testing. Allele origin: germline.
Comment: This variant is classified as benign based on ACMG/AMP sequence variant interpretation guidelines (Richards et al. 2015 PMID: 25741868, with internal and published modifications).

Blueprint Genetics
Classification: Likely benign. Last evaluated: 2024-10-23. Review status: criteria provided, single submitter. Criteria: ACMG Guidelines, 2015. Collection method: clinical testing. Allele origin: germline.

Mayo Clinic Laboratories, Mayo Clinic
Classification: Benign. Last evaluated: 2023-11-01. Review status: criteria provided, single submitter. Criteria: ACMG Guidelines, 2015. Collection method: clinical testing. Allele origin: germline. Observed: 4 variant alleles.

Genome-Nilou Lab
Classification: Likely benign for Charlevoix-Saguenay spastic ataxia. Last evaluated: 2021-09-05. Review status: criteria provided, single submitter. Criteria: ACMG Guidelines, 2015. Collection method: clinical testing. Allele origin: germline. Affected: no.

Genome Diagnostics Laboratory, The Hospital for Sick Children
Classification: Likely benign for Hereditary spastic paraplegia. Last evaluated: 2021-06-14. Review status: criteria provided, single submitter. Criteria: ACMG Guidelines, 2015. Collection method: clinical testing. Allele origin: germline. Affected: yes.

GeneDx
Classification: Likely benign. Last evaluated: 2020-12-05. Review status: criteria provided, single submitter. Criteria: GeneDx Variant Classification Process June 2021. Collection method: clinical testing. Allele origin: germline. Affected: yes.

Illumina Laboratory Services, Illumina
Classification: Uncertain significance for Charlevoix-Saguenay spastic ataxia. Last evaluated: 2018-01-12. Review status: criteria provided, single submitter. Criteria: ICSL Variant Classification Criteria 13 December 2019. Collection method: clinical testing. Allele origin: germline.

Athena Diagnostics
Classification: Benign. Last evaluated: 2016-09-09. Review status: criteria provided, single submitter. Criteria: Athena Diagnostics Criteria. Collection method: clinical testing. Allele origin: germline.

Natera, Inc.
Classification: Benign for Charlevoix-Saguenay type spastic ataxia. Last evaluated: 2020-05-19. Review status: no assertion criteria provided. Collection method: clinical testing. Allele origin: germline. Not counted in ClinVar's aggregate classification.

NM_014363.6(SACS):c.12597A>G (p.Pro4199=)

Gene: SACS (sacsin molecular chaperone; minus strand). Cytogenetic location: 13q12.12.
Variant type: single nucleotide variant.
Coding change: c.12597A>G on transcript NM_014363.6 (MANE Select); coding-DNA position 12597, A replaced by G.
Protein change: p.Pro4199=; no amino-acid change (proline 4199 retained).
Molecular consequence: synonymous variant.
Genome position (GRCh38, 1-based): chr13:23,331,279, T>C on the plus strand (A>G on the coding strand, the complement: SACS is on the minus strand). VCF-style: chr13-23331279-T-C. GRCh37 (hg19) VCF-style: chr13-23905418-T-C.
Other names: p.Pro4199=; c.12156A>G, p.Pro4052= (NM_001278055.2).
Identifiers: ClinVar variation 240894 (VCV000240894.26), dbSNP rs112630127, ClinGen allele CA6910129.